The following is an entry in ClinVar:

NM_018116.4(MSTO1):c.592G>C (p.Gly198Arg)

Gene: MSTO1 (misato mitochondrial distribution and morphology regulator 1; plus strand). Cytogenetic location: 1q22.
Variant type: single nucleotide variant.
Coding change: c.592G>C on transcript NM_018116.4 (MANE Select); coding-DNA position 592, G replaced by C.
Protein change: p.Gly198Arg; replaces glycine 198 with arginine.
Molecular consequence: missense variant. On other transcripts: non-coding transcript variant (6).
Genome position (GRCh38, 1-based): chr1:155,612,014, G>C. VCF-style: chr1-155612014-G-C. GRCh37 (hg19) VCF-style: chr1-155581805-G-C.
Other names: c.592G>C, p.Gly198Arg (NM_001256532.1, NM_001256533.1, NM_001350772.1 and 3 more transcripts); c.427G>C, p.Gly143Arg (NM_001350776.1); c.61G>C, p.Gly21Arg (NM_001350777.1, NM_001350778.1, NM_001350779.1); c.58G>C, p.Gly20Arg (NM_001350780.1, NM_001350781.1, NM_001350782.1 and 3 more transcripts); c.49G>C, p.Gly17Arg (NM_001350784.1, NM_001350785.1, NM_001350787.1 and 1 more transcripts); short protein forms G143R, G17R, G198R, G20R, G21R.
Identifiers: ClinVar variation 3364153 (VCV003364153.1).
Genomic context (GRCh38, chr1:155,612,014, plus strand): 5'-AAGTCTTGGATCATGTTTACTTGTGGCAGGGAAGCAGGTCGGCTGGAGGCTTTTGGCCAA[G>C]GGGAAAGTGTCCTAAAGGAACCCAAGTACCAGGAAGAGCTGGAGGACAGGCTGCATTTCT-3'
Protein context (NP_060586.2, residues 188-208): EAGRLEAFGQ[Gly198Arg]ESVLKEPKYQ

ClinVar aggregate classification (germline): Uncertain significance (1 of 4 stars; one submission).

Submission:

GeneDx
Classification: Uncertain significance. Last evaluated: 2023-11-12. Review status: criteria provided, single submitter. Criteria: GeneDx Variant Classification Process June 2021. Collection method: clinical testing. Allele origin: germline. Affected: yes.
Comment: Not observed at significant frequency in large population cohorts (gnomAD); In silico analysis supports that this missense variant has a deleterious effect on protein structure/function; Has not been previously published as pathogenic or benign to our knowledge